The following is an entry in ClinVar:

NM_000038.6(APC):c.4921G>A (p.Val1641Met)

Gene: APC (APC regulator of Wnt signaling pathway; plus strand). Cytogenetic location: 5q22.2.
Variant type: single nucleotide variant.
Coding change: c.4921G>A on transcript NM_000038.6 (MANE Select); coding-DNA position 4921, G replaced by A.
Protein change: p.Val1641Met; replaces valine 1641 with methionine.
Molecular consequence: missense variant.
Genome position (GRCh38, 1-based): chr5:112,840,515, G>A. VCF-style: chr5-112840515-G-A. GRCh37 (hg19) VCF-style: chr5-112176212-G-A.
Other names: c.4921G>A, p.Val1641Met (NM_001127510.3, NM_001354895.2); c.4867G>A, p.Val1623Met (NM_001127511.3); c.4975G>A, p.Val1659Met (NM_001354896.2); c.4951G>A, p.Val1651Met (NM_001354897.2); c.4846G>A, p.Val1616Met (NM_001354898.2); c.4837G>A, p.Val1613Met (NM_001354899.2); c.4798G>A, p.Val1600Met (NM_001354900.2); c.4744G>A, p.Val1582Met (NM_001354901.2); and 5 more; short protein forms V1641M, V1623M, V1540M, V1659M, V1550M, V1582M, V1613M, V1358M.
Identifiers: ClinVar variation 411547 (VCV000411547.20), dbSNP rs755126540, ClinGen allele CA040215.

ClinVar aggregate classification (germline): Conflicting classifications of pathogenicity. Review status: criteria provided, conflicting classifications (1 of 4 stars). 4 submissions from 4 submitters: Uncertain significance (3); Likely benign (1). Last evaluated 2025-10-21.

Conditions:
Classic or attenuated familial adenomatous polyposis. Identifiers: MedGen CN372698, MONDO:0021057.
Familial adenomatous polyposis 1 (FAP1). Also called: FAMILIAL ADENOMATOUS POLYPOSIS 1, ATTENUATED; POLYPOSIS, ADENOMATOUS INTESTINAL. Identifiers: MedGen C2713442, MONDO:0021056, OMIM 175100. Disease mechanism: loss of function.
Hereditary cancer-predisposing syndrome. Also called: Tumor predisposition; Hereditary Cancer Syndrome; Hereditary neoplastic syndrome; Neoplastic Syndromes, Hereditary. Identifiers: Orphanet 140162, MedGen C0027672, MeSH D009386, MONDO:0015356.

Allele frequency attached by ClinVar (database versions not stated): gnomAD exomes below 0.00001; ExAC 0.00001.
gnomAD v4.1: 5 of 1,614,140 alleles (0.00031%); highest among the groups gnomAD compares: Non-Finnish European, 0.00042%; no homozygotes.

Submissions (4):

Labcorp Genetics (formerly Invitae), Labcorp
Classification: Uncertain significance for Familial adenomatous polyposis 1. Last evaluated: 2025-10-21. Review status: criteria provided, single submitter. Criteria: Invitae Variant Classification Sherloc (09022015). Collection method: clinical testing. Allele origin: germline.
Comment: This sequence change replaces valine, which is neutral and non-polar, with methionine, which is neutral and non-polar, at codon 1641 of the APC protein (p.Val1641Met). This variant is present in population databases (rs755126540, gnomAD 0.0009%). This variant has not been reported in the literature in individuals affected with APC-related conditions. ClinVar contains an entry for this variant (Variation ID: 411547). Invitae Evidence Modeling of protein sequence and biophysical properties (such as structural, functional, and spatial information, amino acid conservation, physicochemical variation, residue mobility, and thermodynamic stability) indicates that this missense variant is not expected to disrupt APC protein function with a negative predictive value of 95%. In summary, the available evidence is currently insufficient to determine the role of this variant in disease. Therefore, it has been classified as a Variant of Uncertain Significance.

Ambry Genetics
Classification: Likely benign for Hereditary cancer-predisposing syndrome. Last evaluated: 2025-09-24. Review status: criteria provided, single submitter. Criteria: Ambry Variant Classification Scheme 2023. Collection method: clinical testing. Allele origin: germline.

Color Diagnostics, LLC DBA Color Health
Classification: Uncertain significance for Hereditary cancer-predisposing syndrome. Last evaluated: 2024-10-07. Review status: criteria provided, single submitter. Criteria: ACMG Guidelines, 2015. Collection method: clinical testing. Allele origin: germline.
Comment: This missense variant replaces valine with methionine at codon 1641 of the APC protein. Computational prediction suggests that this variant may not impact protein structure and function (internally defined REVEL score threshold <= 0.5, PMID: 27666373). To our knowledge, functional studies have not been reported for this variant. This variant has not been reported in individuals affected with APC-related disorders in the literature. This variant has been identified in 1/251156 chromosomes in the general population by the Genome Aggregation Database (gnomAD). The available evidence is insufficient to determine the role of this variant in disease conclusively. Therefore, this variant is classified as a Variant of Uncertain Significance.

All of Us Research Program, National Institutes of Health
Classification: Uncertain significance for Classic or attenuated familial adenomatous polyposis. Last evaluated: 2023-08-15. Review status: criteria provided, single submitter. Criteria: ACMG Guidelines, 2015. Collection method: clinical testing. Allele origin: germline. Inheritance: Autosomal dominant inheritance. Observed: 1 variant allele, 1 heterozygote.
Comment: This missense variant replaces valine with methionine at codon 1641 of the APC protein. Computational prediction suggests that this variant may not impact protein structure and function (internally defined REVEL score threshold <= 0.5, PMID: 27666373). To our knowledge, functional studies have not been reported for this variant. This variant has not been reported in individuals affected with hereditary cancer in the literature. This variant has been identified in 1/251156 chromosomes in the general population by the Genome Aggregation Database (gnomAD). The available evidence is insufficient to determine the role of this variant in disease conclusively. Therefore, this variant is classified as a Variant of Uncertain Significance.

This study involves interpretation of variants in research participants for the purpose of population health screening. Participant phenotype was not available at the time of variant classification. Additional details can be found in publication PMID: 35346344, PMCID: PMC8962531